The following is an entry in ClinVar:

NM_001903.5(CTNNA1):c.*8C>T

Gene: CTNNA1 (catenin alpha 1; plus strand). Cytogenetic location: 5q31.2.
Variant type: single nucleotide variant.
Coding change: c.*8C>T on transcript NM_001903.5 (MANE Select); 8 bases downstream of the stop codon, C replaced by T.
Molecular consequence: 3 prime UTR variant.
Genome position (GRCh38, 1-based): chr5:138,934,097, C>T. VCF-style: chr5-138934097-C-T. GRCh37 (hg19) VCF-style: chr5-138269786-C-T.
Other names: c.*274C>T (NM_001290307.3, NM_001324002.1, NM_001324003.1 and 2 more transcripts); c.*8C>T (NM_001290309.3, NM_001290310.3, NM_001290312.1 and 28 more transcripts).
Identifiers: ClinVar variation 3773384 (VCV003773384.1).

ClinVar aggregate classification (germline): Benign (1 of 4 stars; one submission).

Conditions:
Hereditary diffuse gastric adenocarcinoma (HDGC). Also called: DIFFUSE GASTRIC AND LOBULAR BREAST CANCER SYNDROME. Identifiers: Orphanet 26106, MedGen C1708349, MONDO:0007648, OMIM 137215.

gnomAD v4.1: 2 of 1,605,462 alleles (0.00012%); highest among the groups gnomAD compares: Non-Finnish European, 0.00017%; no homozygotes.

Submission:

Myriad Genetics, Inc.
Classification: Benign for Hereditary diffuse gastric adenocarcinoma. Last evaluated: 2024-10-16. Review status: criteria provided, single submitter. Criteria: Myriad Autosomal Dominant, Autosomal Recessive and X-Linked Classification Criteria (2023). Collection method: clinical testing. Allele origin: unknown.
Comment: This variant is considered benign. This variant occurs in the non-coding 3' untranslated region of the gene, and is not expected to impact protein function.